The following is an entry in ClinVar:

NM_177965.4(CFAP418):c.394T>C (p.Cys132Arg)

Gene: CFAP418 (cilia and flagella associated protein 418; minus strand). Cytogenetic location: 8q22.1.
Variant type: single nucleotide variant.
Coding change: c.394T>C on transcript NM_177965.4 (MANE Select); coding-DNA position 394, T replaced by C.
Protein change: p.Cys132Arg; replaces cysteine 132 with arginine.
Molecular consequence: missense variant. On other transcripts: intron variant (1).
Genome position (GRCh38, 1-based): chr8:95,252,264, A>G on the plus strand (T>C on the coding strand, the complement: CFAP418 is on the minus strand). VCF-style: chr8-95252264-A-G. GRCh37 (hg19) VCF-style: chr8-96264492-A-G.
Other names: c.375-4494T>C (NM_001363260.1); short protein forms C132R.
Identifiers: ClinVar variation 1333703 (VCV001333703.4), dbSNP rs1050414071, ClinGen allele CA182088535.

ClinVar aggregate classification (germline): Conflicting classifications of pathogenicity. Review status: criteria provided, conflicting classifications (1 of 4 stars). 4 submissions from 4 submitters: Likely pathogenic (1); Uncertain significance (2). 1 of the submissions does not count toward it. Last evaluated 2025-12-21.

Conditions:
Retinal dystrophy. Also called: Inherited retinal dystrophy. Identifiers: Orphanet 71862, MedGen C0854723, MeSH D058499, MONDO:0019118, HP:0000556.
Cone-rod dystrophy 16 (CORD16). Identifiers: MedGen C3281045, MONDO:0013786, OMIM 614500.
C8ORF37 & CFAP418-related disorders.

Allele frequency attached by ClinVar (database versions not stated): gnomAD exomes below 0.00001 and 0.00001; TOPMed below 0.00001; gnomAD 0.00001.
gnomAD v4.1: 10 of 1,613,546 alleles (0.00062%); highest among the groups gnomAD compares: Non-Finnish European, 0.00085%; no homozygotes.

Submissions (4):

Labcorp Genetics (formerly Invitae), Labcorp
Classification: Uncertain significance. Last evaluated: 2025-12-21. Review status: criteria provided, single submitter. Criteria: Invitae Variant Classification Sherloc (09022015). Collection method: clinical testing. Allele origin: germline.
Comment: This sequence change replaces cysteine, which is neutral and slightly polar, with arginine, which is basic and polar, at codon 132 of the C8orf37 protein (p.Cys132Arg). This variant is present in population databases (no rsID available, gnomAD 0.0009%). This variant has not been reported in the literature in individuals affected with C8orf37-related conditions. ClinVar contains an entry for this variant (Variation ID: 1333703). An algorithm developed to predict the effect of missense changes on protein structure and function (PolyPhen-2) suggests that this variant is likely to be disruptive. In summary, the available evidence is currently insufficient to determine the role of this variant in disease. Therefore, it has been classified as a Variant of Uncertain Significance.

Blueprint Genetics
Classification: Likely pathogenic for C8ORF37 & CFAP418-related disorders. Last evaluated: 2024-08-13. Review status: criteria provided, single submitter. Criteria: ACMG Guidelines, 2015. Collection method: clinical testing. Allele origin: germline. Affected: yes. Observed: 2 variant alleles.

3billion
Classification: Uncertain significance for Cone-rod dystrophy 16. Last evaluated: 2022-01-03. Review status: criteria provided, single submitter. Criteria: ACMG Guidelines, 2015. Collection method: clinical testing. Allele origin: germline. Affected: yes. Observed: 1 homozygote.
Comment: The variant is observed at an extremely low frequency in the gnomAD v2.1.1 dataset (total allele frequency: 0.000004, PM2_M). In silico tool predictions suggest damaging effect of the variant on gene or gene product (REVEL: 0.884, 3CNET: 0.763, PP3_P). Therefore, this variant is classified as uncertain significance according to the recommendation of ACMG/AMP guideline.

Institute of Human Genetics, Univ. Regensburg, Univ. Regensburg
Classification: Likely pathogenic for Retinal dystrophy. Last evaluated: 2014-01-01. Review status: no assertion criteria provided. Criteria: ACMG Guidelines, 2015. Collection method: clinical testing. Allele origin: germline. Affected: yes. Not counted in ClinVar's aggregate classification.